The following is an entry in ClinVar:

NM_182641.4(BPTF):c.5893G>A (p.Val1965Ile)

Gene: BPTF (bromodomain PHD finger transcription factor; plus strand). Cytogenetic location: 17q24.2.
Variant type: single nucleotide variant.
Coding change: c.5893G>A on transcript NM_182641.4 (MANE Select); coding-DNA position 5893, G replaced by A.
Protein change: p.Val1965Ile; replaces valine 1965 with isoleucine.
Molecular consequence: missense variant.
Genome position (GRCh38, 1-based): chr17:67,928,496, G>A. VCF-style: chr17-67928496-G-A. GRCh37 (hg19) VCF-style: chr17-65924612-G-A.
Other names: c.6271G>A, p.Val2091Ile (NM_004459.7); short protein forms V1965I, V2091I.
Identifiers: ClinVar variation 3367100 (VCV003367100.1).

ClinVar aggregate classification (germline): Uncertain significance (1 of 4 stars; one submission).

Conditions:
Neurodevelopmental disorder with dysmorphic facies and distal limb anomalies. Identifiers: Orphanet 686482, MedGen C4540327, MONDO:0060596, OMIM 617755.

gnomAD v4.1: 1 of 1,614,122 alleles (0.000062%); highest among the groups gnomAD compares: Non-Finnish European, 0.000085%; no homozygotes.

Submission:

Neuberg Centre For Genomic Medicine, NCGM
Classification: Uncertain significance for Neurodevelopmental disorder with dysmorphic facies and distal limb anomalies. Last evaluated: 2023-05-20. Review status: criteria provided, single submitter. Criteria: ACMG Guidelines, 2015. Collection method: clinical testing. Allele origin: germline. Inheritance: Autosomal dominant inheritance. Affected: yes.
Comment: The observed missense variant c.5893G>A(p.Val1965Ile) in BPTF gene has not been reported previously as a pathogenic variant nor as a benign variant, to our knowledge. The c.5893G>A variant is absent in gnomAD Exomes. The amino acid Valine at position 1965 is changed to a Isoleucine changing protein sequence and it might alter its composition and physico-chemical properties. Multiple lines of computational evidence (Polyphen-damaging, SIFT-damaging and Mutation Taster-disease causing) predict a damaging effect on protein structure and function for this variant. The reference amino acid p.Val1965Ile in BPTF is predicted as conserved by GERP++ and PhyloP across 100 vertebrates. For these reasons, this variant has been classified as Uncertain Significance.